The following is an entry in ClinVar:

NM_002354.3(EPCAM):c.901G>A (p.Glu301Lys)

Gene: EPCAM (epithelial cell adhesion molecule; plus strand). Cytogenetic location: 2p21.
Variant type: single nucleotide variant.
Coding change: c.901G>A on transcript NM_002354.3 (MANE Select); coding-DNA position 901, G replaced by A.
Protein change: p.Glu301Lys; replaces glutamic acid 301 with lysine.
Molecular consequence: missense variant.
Genome position (GRCh38, 1-based): chr2:47,385,208, G>A. VCF-style: chr2-47385208-G-A. GRCh37 (hg19) VCF-style: chr2-47612347-G-A.
Other names: short protein forms E301K.
Identifiers: ClinVar variation 3509163 (VCV003509163.1).
Genomic context (GRCh38, chr2:47,385,208, plus strand): 5'-TGTCTTTCTTCCACTCAGGTTATTTCCAGAAAGAAGAGAATGGCAAAGTATGAGAAGGCT[G>A]AGGTAAATGGATTACTTACCTAAATAGAAAGGCCCTGTTGAATCTCTTACTCCTAATCAC-3'
Protein context (NP_002345.2, residues 291-311): KKRMAKYEKA[Glu301Lys]IKEMGEMHRE

ClinVar aggregate classification (germline): Uncertain significance (1 of 4 stars; one submission).

Conditions:
Hereditary cancer-predisposing syndrome. Also called: Tumor predisposition; Neoplastic Syndromes, Hereditary; Hereditary Cancer Syndrome; Hereditary neoplastic syndrome. Identifiers: Orphanet 140162, MedGen C0027672, MeSH D009386, MONDO:0015356.

gnomAD v4.1: 3 of 1,611,840 alleles (0.00019%); highest among the groups gnomAD compares: Non-Finnish European, 0.00025%; no homozygotes.

Submission:

Ambry Genetics
Classification: Uncertain significance for Hereditary cancer-predisposing syndrome. Last evaluated: 2024-08-26. Review status: criteria provided, single submitter. Criteria: Ambry Variant Classification Scheme 2023. Collection method: clinical testing. Allele origin: germline.
Comment: The p.E301K variant (also known as c.901G>A), located in coding exon 8 of the EPCAM gene, results from a G to A substitution at nucleotide position 901. The glutamic acid at codon 301 is replaced by lysine, an amino acid with similar properties. This amino acid position is conserved. In addition, this alteration is predicted to be deleterious by in silico analysis. Based on the available evidence, the clinical significance of this variant remains unclear.